The following is an entry in ClinVar:

ClinVar aggregate classification (germline): Uncertain significance (1 of 4 stars; one submission).

Submission:

Greenwood Genetic Center Diagnostic Laboratories, Greenwood Genetic Center
Classification: Uncertain significance. Last evaluated: 2023-02-15. Review status: criteria provided, single submitter. Criteria: ACMG Guidelines, 2015. Collection method: clinical testing. Allele origin: germline. Affected: yes.
Comment: PM2

NM_025144.4(ALPK1):c.1152A>C (p.Glu384Asp)

Gene: ALPK1 (alpha kinase 1; plus strand). Cytogenetic location: 4q25.
Variant type: single nucleotide variant.
Coding change: c.1152A>C on transcript NM_025144.4 (MANE Select); coding-DNA position 1152, A replaced by C.
Protein change: p.Glu384Asp; replaces glutamic acid 384 with aspartic acid.
Molecular consequence: missense variant.
Genome position (GRCh38, 1-based): chr4:112,430,699, A>C. VCF-style: chr4-112430699-A-C. GRCh37 (hg19) VCF-style: chr4-113351855-A-C.
Other names: c.1152A>C, p.Glu384Asp (NM_001102406.2); c.918A>C, p.Glu306Asp (NM_001253884.2); short protein forms E306D, E384D.
Identifiers: ClinVar variation 2505281 (VCV002505281.1), dbSNP rs2476502811, ClinGen allele CA357893790.